The following is an entry in ClinVar:

NM_001370785.2(LRRC7):c.1356T>G (p.His452Gln)

Gene: LRRC7 (leucine rich repeat containing 7; plus strand). Cytogenetic location: 1p31.1.
Variant type: single nucleotide variant.
Coding change: c.1356T>G on transcript NM_001370785.2 (MANE Select); coding-DNA position 1356, T replaced by G.
Protein change: p.His452Gln; replaces histidine 452 with glutamine.
Molecular consequence: missense variant.
Genome position (GRCh38, 1-based): chr1:70,018,754, T>G. VCF-style: chr1-70018754-T-G. GRCh37 (hg19) VCF-style: chr1-70484437-T-G.
Other names: c.1257T>G, p.His419Gln (NM_001330635.3, NM_001366839.3, NM_001366841.1); c.1359T>G, p.His453Gln (NM_001350216.3); c.1356T>G, p.His452Gln (NM_001366838.3); short protein forms H419Q, H452Q, H453Q.
Identifiers: ClinVar variation 4873934 (VCV004873934.2).

ClinVar aggregate classification (germline): Uncertain significance (1 of 4 stars; one submission).

Submission:

CeGaT Center for Human Genetics Tuebingen
Classification: Uncertain significance. Last evaluated: 2026-06-01. Review status: criteria provided, single submitter. Criteria: CeGaT Center For Human Genetics Tuebingen Variant Classification Criteria Version 2. Collection method: clinical testing. Allele origin: germline. Affected: yes. Observed: 1 variant allele.
Comment: LRRC7: PM2, PP2